The following is an entry in ClinVar:

ClinVar aggregate classification (germline): Uncertain significance (1 of 4 stars; one submission).

Allele frequency attached by ClinVar (database versions not stated): gnomAD exomes below 0.00001; TOPMed 0.00001.

Submission:

Labcorp Genetics (formerly Invitae), Labcorp
Classification: Uncertain significance. Last evaluated: 2025-06-12. Review status: criteria provided, single submitter. Criteria: Invitae Variant Classification Sherloc (09022015). Collection method: clinical testing. Allele origin: germline.
Comment: This sequence change replaces methionine, which is neutral and non-polar, with leucine, which is neutral and non-polar, at codon 462 of the DGKE protein (p.Met462Leu). This variant is not present in population databases (gnomAD no frequency). This variant has not been reported in the literature in individuals affected with DGKE-related conditions. ClinVar contains an entry for this variant (Variation ID: 2191664). Invitae Evidence Modeling of protein sequence and biophysical properties (such as structural, functional, and spatial information, amino acid conservation, physicochemical variation, residue mobility, and thermodynamic stability) indicates that this missense variant is not expected to disrupt DGKE protein function with a negative predictive value of 80%. In summary, the available evidence is currently insufficient to determine the role of this variant in disease. Therefore, it has been classified as a Variant of Uncertain Significance.

NM_003647.3(DGKE):c.1384A>T (p.Met462Leu)

Gene: DGKE (diacylglycerol kinase epsilon; plus strand). Cytogenetic location: 17q22.
Variant type: single nucleotide variant.
Coding change: c.1384A>T on transcript NM_003647.3 (MANE Select); coding-DNA position 1384, A replaced by T.
Protein change: p.Met462Leu; replaces methionine 462 with leucine.
Molecular consequence: missense variant.
Genome position (GRCh38, 1-based): chr17:56,861,890, A>T. VCF-style: chr17-56861890-A-T. GRCh37 (hg19) VCF-style: chr17-54939251-A-T.
Other names: short protein forms M462L.
Identifiers: ClinVar variation 2191664 (VCV002191664.4), dbSNP rs1312658208, ClinGen allele CA399909295.